The following is an entry in ClinVar:

ClinVar aggregate classification (germline): Uncertain significance (1 of 4 stars; one submission).

Conditions:
Hereditary sensory and autonomic neuropathy type 7. Also called: Neuropathy, hereditary sensory and autonomic, type VII; HSAN VII. Identifiers: Orphanet 391397, MedGen C3809882, MONDO:0014244, OMIM 615548.
Familial episodic pain syndrome with predominantly lower limb involvement. Also called: Episodic pain syndrome, familial, 3. Identifiers: Orphanet 391384, Orphanet 391392, MedGen C3809899, MONDO:0014247, OMIM 615552.

Allele frequency attached by ClinVar (database versions not stated): gnomAD exomes below 0.00001.
gnomAD v4.1: 2 of 1,613,060 alleles (0.00012%); highest among the groups gnomAD compares: East Asian, 0.0022%; no homozygotes.

Submission:

Labcorp Genetics (formerly Invitae), Labcorp
Classification: Uncertain significance for Familial episodic pain syndrome with predominantly lower limb involvement; Hereditary sensory and autonomic neuropathy type 7. Last evaluated: 2020-11-13. Review status: criteria provided, single submitter. Criteria: Invitae Variant Classification Sherloc (09022015). Collection method: clinical testing. Allele origin: germline.
Comment: This sequence change replaces methionine with valine at codon 968 of the SCN11A protein (p.Met968Val). The methionine residue is weakly conserved and there is a small physicochemical difference between methionine and valine. This variant is not present in population databases (ExAC no frequency). This variant has not been reported in the literature in individuals with SCN11A-related conditions. Algorithms developed to predict the effect of missense changes on protein structure and function output the following: SIFT: "Tolerated"; PolyPhen-2: "Benign"; Align-GVGD: "Class C0". The valine amino acid residue is found in multiple mammalian species, suggesting that this missense change does not adversely affect protein function. These predictions have not been confirmed by published functional studies and their clinical significance is uncertain. In summary, the available evidence is currently insufficient to determine the role of this variant in disease. Therefore, it has been classified as a Variant of Uncertain Significance.

NM_001349253.2(SCN11A):c.2902A>G (p.Met968Val)

Gene: SCN11A (sodium voltage-gated channel alpha subunit 11; minus strand). Cytogenetic location: 3p22.2.
Variant type: single nucleotide variant.
Coding change: c.2902A>G on transcript NM_001349253.2 (MANE Select); coding-DNA position 2902, A replaced by G.
Protein change: p.Met968Val; replaces methionine 968 with valine.
Molecular consequence: missense variant.
Genome position (GRCh38, 1-based): chr3:38,886,172, T>C on the plus strand (A>G on the coding strand, the complement: SCN11A is on the minus strand). VCF-style: chr3-38886172-T-C. GRCh37 (hg19) VCF-style: chr3-38927663-T-C.
Other names: c.2902A>G, p.Met968Val (NM_014139.3); short protein forms M968V.
Identifiers: ClinVar variation 856064 (VCV000856064.6), dbSNP rs893929045, ClinGen allele CA72991359.
Genomic context (GRCh38, chr3:38,886,172, plus strand): 5'-CTAGGAAAATTACCTTTCGGGGATCCTGTATGGTCAGATGAGGCTCATCTTCAGAGAACA[T>C]GTCAATTTCCACACTTTGAACTCTCTGGCTCGTGGGCTTCTTGTTCTCCTGATGGAGCTC-3'
Protein context (NP_001336182.1, residues 958-978): SQRVQSVEID[Met968Val]FSEDEPHLTI